The following is an entry in ClinVar:

NM_001077365.2(POMT1):c.2132C>T (p.Ala711Val)

Gene: POMT1 (protein O-mannosyltransferase 1; plus strand). Cytogenetic location: 9q34.13.
Variant type: single nucleotide variant.
Coding change: c.2132C>T on transcript NM_001077365.2 (MANE Select); coding-DNA position 2132, C replaced by T.
Protein change: p.Ala711Val; replaces alanine 711 with valine.
Molecular consequence: missense variant. On other transcripts: non-coding transcript variant (10).
Genome position (GRCh38, 1-based): chr9:131,523,060, C>T. VCF-style: chr9-131523060-C-T. GRCh37 (hg19) VCF-style: chr9-134398447-C-T.
Other names: c.1970C>T, p.Ala657Val (NM_001077366.2, NM_001353194.2); c.2132C>T, p.Ala711Val (NM_001136113.2); c.1781C>T, p.Ala594Val (NM_001136114.2, NM_001353195.2, NM_001374691.1 and 2 more transcripts); c.2198C>T, p.Ala733Val (NM_001353193.2, NM_007171.4); c.2042C>T, p.Ala681Val (NM_001353196.2); c.2036C>T, p.Ala679Val (NM_001353197.2, NM_001353198.2); c.1847C>T, p.Ala616Val (NM_001353199.2); c.1676C>T, p.Ala559Val (NM_001353200.2); and 3 more; short protein forms A733V, A711V, A559V, A594V, A616V, A657V, A679V, A681V.
Identifiers: ClinVar variation 448113 (VCV000448113.5), dbSNP rs769694503, ClinGen allele CA5293943.
Genomic context (GRCh38, chr9:131,523,060, plus strand): 5'-CCAACACGCTGCGCCCACTCACCTACGGGGACAAGTCACTCTCGCCACATGAACTCAAGG[C>T]CCTTCGCTGGAAAGACAGCTGGGACATCTTGATCCGAAAACACTAGAACAAGAGTGTGGC-3'
Protein context (NP_001070833.1, residues 701-721): DKSLSPHELK[Ala711Val]LRWKDSWDIL

ClinVar aggregate classification (germline): Uncertain significance. Review status: criteria provided, multiple submitters, no conflicts (2 of 4 stars). 3 submissions from 3 submitters: Uncertain significance (3). Last evaluated 2023-10-31.

Conditions:
Autosomal recessive limb-girdle muscular dystrophy type 2K. Also called: MUSCULAR DYSTROPHY, LIMB-GIRDLE, TYPE 2K; MUSCULAR DYSTROPHY-DYSTROGLYCANOPATHY (LIMB-GIRDLE), TYPE C, 1. Identifiers: Orphanet 86812, MedGen C1836373, MONDO:0012248, OMIM 609308.
Walker-Warburg congenital muscular dystrophy. Also called: Muscular dystrophy-dystroglycanopathy, type A; Walker-Warburg syndrome. Identifiers: Orphanet 899, MedGen C0265221, MONDO:0000171.
Muscular dystrophy-dystroglycanopathy (congenital with impaired intellectual development), type B, 1. Also called: Muscular dystrophy-dystroglycanopathy (congenital with intellectual disability), type B1; MUSCULAR DYSTROPHY, CONGENITAL, POMT1-RELATED. Identifiers: MedGen C5436962, MONDO:0013159, OMIM 613155.

Allele frequency attached by ClinVar (database versions not stated): gnomAD 0.00003 and 0.00004; gnomAD exomes 0.00004; TOPMed 0.00006; ExAC 0.00003.

Submissions (3):

Revvity Omics, Revvity
Classification: Uncertain significance. Last evaluated: 2023-10-31. Review status: criteria provided, single submitter. Criteria: ACMG Guidelines, 2015. Collection method: clinical testing. Allele origin: germline.

Labcorp Genetics (formerly Invitae), Labcorp
Classification: Uncertain significance for Muscular dystrophy-dystroglycanopathy (congenital with impaired intellectual development), type B, 1; Walker-Warburg congenital muscular dystrophy; Autosomal recessive limb-girdle muscular dystrophy type 2K. Last evaluated: 2022-05-12. Review status: criteria provided, single submitter. Criteria: Invitae Variant Classification Sherloc (09022015). Collection method: clinical testing. Allele origin: germline.
Comment: This sequence change replaces alanine, which is neutral and non-polar, with valine, which is neutral and non-polar, at codon 733 of the POMT1 protein (p.Ala733Val). This variant is present in population databases (rs769694503, gnomAD 0.02%). This variant has not been reported in the literature in individuals affected with POMT1-related conditions. ClinVar contains an entry for this variant (Variation ID: 448113). Algorithms developed to predict the effect of missense changes on protein structure and function are either unavailable or do not agree on the potential impact of this missense change (SIFT: "Tolerated"; PolyPhen-2: "Possibly Damaging"; Align-GVGD: "Class C0"). Algorithms developed to predict the effect of sequence changes on RNA splicing suggest that this variant may create or strengthen a splice site. In summary, the available evidence is currently insufficient to determine the role of this variant in disease. Therefore, it has been classified as a Variant of Uncertain Significance.

Athena Diagnostics
Classification: Uncertain significance. Last evaluated: 2017-04-03. Review status: criteria provided, single submitter. Criteria: Athena Diagnostics Criteria. Collection method: clinical testing. Allele origin: germline.